The following is an entry in ClinVar:

NM_198253.3(TERT):c.1496A>T (p.Lys499Met)

Gene: TERT (telomerase reverse transcriptase; minus strand). Cytogenetic location: 5p15.33.
Variant type: single nucleotide variant.
Coding change: c.1496A>T on transcript NM_198253.3 (MANE Select); coding-DNA position 1496, A replaced by T.
Protein change: p.Lys499Met; replaces lysine 499 with methionine.
Molecular consequence: missense variant. On other transcripts: non-coding transcript variant (2).
Genome position (GRCh38, 1-based): chr5:1,293,390, T>A on the plus strand (A>T on the coding strand, the complement: TERT is on the minus strand). VCF-style: chr5-1293390-T-A. GRCh37 (hg19) VCF-style: chr5-1293505-T-A.
Other names: c.1496A>T, p.Lys499Met (NM_001193376.3); short protein forms K499M.
Identifiers: ClinVar variation 4182816 (VCV004182816.1).

ClinVar aggregate classification (germline): Uncertain significance (1 of 4 stars; one submission).

Conditions:
Dyskeratosis congenita. Identifiers: Orphanet 1775, MedGen C0265965, MONDO:0015780.

Submission:

Ambry Genetics
Classification: Uncertain significance for Dyskeratosis congenita. Last evaluated: 2025-08-25. Review status: criteria provided, single submitter. Criteria: Ambry Variant Classification Scheme 2023. Collection method: clinical testing. Allele origin: germline.
Comment: The p.K499M variant (also known as c.1496A>T), located in coding exon 2 of the TERT gene, results from an A to T substitution at nucleotide position 1496. The lysine at codon 499 is replaced by methionine, an amino acid with similar properties. This amino acid position is conserved. In addition, the in silico prediction for this alteration is inconclusive. Based on the available evidence, the clinical significance of this variant remains unclear.